The following is an entry in ClinVar:

NM_001999.4(FBN2):c.1553G>C (p.Arg518Pro)

Gene: FBN2 (fibrillin 2; minus strand). Cytogenetic location: 5q23.3.
Variant type: single nucleotide variant.
Coding change: c.1553G>C on transcript NM_001999.4 (MANE Select); coding-DNA position 1553, G replaced by C.
Protein change: p.Arg518Pro; replaces arginine 518 with proline.
Molecular consequence: missense variant.
Genome position (GRCh38, 1-based): chr5:128,392,068, C>G on the plus strand (G>C on the coding strand, the complement: FBN2 is on the minus strand). VCF-style: chr5-128392068-C-G. GRCh37 (hg19) VCF-style: chr5-127727761-C-G.
Other names: short protein forms R518P.
Identifiers: ClinVar variation 3713327 (VCV003713327.2).

ClinVar aggregate classification (germline): Uncertain significance (1 of 4 stars; one submission).

Conditions:
Congenital contractural arachnodactyly (CCA). Also called: Arthrogryposis, distal, type 9; BEALS SYNDROME; Beals-Hecht syndrome. Identifiers: Orphanet 115, MedGen C0220668, MONDO:0007363, OMIM 121050.

Submission:

Labcorp Genetics (formerly Invitae), Labcorp
Classification: Uncertain significance for Congenital contractural arachnodactyly. Last evaluated: 2025-01-29. Review status: criteria provided, single submitter. Criteria: Invitae Variant Classification Sherloc (09022015). Collection method: clinical testing. Allele origin: germline.
Comment: This sequence change replaces arginine, which is basic and polar, with proline, which is neutral and non-polar, at codon 518 of the FBN2 protein (p.Arg518Pro). This variant is not present in population databases (gnomAD no frequency). This variant has not been reported in the literature in individuals affected with FBN2-related conditions. Invitae Evidence Modeling of protein sequence and biophysical properties (such as structural, functional, and spatial information, amino acid conservation, physicochemical variation, residue mobility, and thermodynamic stability) indicates that this missense variant is expected to disrupt FBN2 protein function with a positive predictive value of 80%. In summary, the available evidence is currently insufficient to determine the role of this variant in disease. Therefore, it has been classified as a Variant of Uncertain Significance.